The following is an entry in ClinVar:

NM_000179.3(MSH6):c.3646+26A>G

Gene: MSH6 (mutS homolog 6; plus strand). Cytogenetic location: 2p16.3.
Variant type: single nucleotide variant.
Coding change: c.3646+26A>G on transcript NM_000179.3 (MANE Select); 26 bases into the intron after coding-DNA position 3646, A replaced by G.
Molecular consequence: intron variant.
Genome position (GRCh38, 1-based): chr2:47,805,733, A>G. VCF-style: chr2-47805733-A-G. GRCh37 (hg19) VCF-style: chr2-48032872-A-G.
Other names: c.3646+26A>G (NM_001406809.1, NM_001406796.1, NM_001406808.1 and 1 more transcripts); c.2740+26A>G (NM_001406811.1, NM_001406814.1, NM_001281493.2 and 6 more transcripts); c.3349+26A>G (NM_001406805.1, NM_001406797.1, NM_001406801.1 and 10 more transcripts); c.3742+26A>G (NM_001406795.1, NM_001406802.1); c.3652+26A>G (NM_001406813.1); c.3121+26A>G (NM_001406807.1, NM_001406799.1, NM_001406806.1); c.3472+26A>G (NM_001406798.1); c.2782+26A>G (NM_001406803.1); and 7 more.
Identifiers: ClinVar variation 4539392 (VCV004539392.1).
Genomic context (GRCh38, chr2:47,805,733, plus strand): 5'-AACAGCACATTCTCTGGTGCTTGTGGATGAATTAGGTAAGACATTAAACTTCTCATTTGA[A>G]GACTATCTATCTTAAAAACATTTGTACAAATAACTATTTTTATAGAAGATTATCTGAAGT-3'

ClinVar aggregate classification (germline): Likely benign (1 of 4 stars; one submission).

gnomAD v4.1: 11 of 1,254,966 alleles (0.00088%); highest among the groups gnomAD compares: Non-Finnish European, 0.0012%; no homozygotes.

Submission:

Center for Genomic Medicine, Rigshospitalet, Copenhagen University Hospital
Classification: Likely benign. Last evaluated: 2025-12-29. Review status: criteria provided, single submitter. Criteria: ACMG Guidelines, 2015. Collection method: clinical testing. Allele origin: germline.
Comment: Classification criteria: BP4, BP7